The following is an entry in ClinVar:

NM_001276700.2(NLRP6):c.1599C>A (p.Asp533Glu)

Gene: NLRP6 (NLR family pyrin domain containing 6; plus strand). Cytogenetic location: 11p15.5.
Variant type: single nucleotide variant.
Coding change: c.1599C>A on transcript NM_001276700.2 (MANE Select); coding-DNA position 1599, C replaced by A.
Protein change: p.Asp533Glu; replaces aspartic acid 533 with glutamic acid.
Molecular consequence: missense variant.
Genome position (GRCh38, 1-based): chr11:281,333, C>A. VCF-style: chr11-281333-C-A. GRCh37 (hg19) VCF-style: chr11-281333-C-A.
Other names: c.1599C>A, p.Asp533Glu (NM_138329.2); short protein forms D533E.
Identifiers: ClinVar variation 3026468 (VCV003026468.22), dbSNP rs1590269671, ClinGen allele CA378871968.

ClinVar aggregate classification (germline): Uncertain significance (1 of 4 stars; one submission).

Submission:

CeGaT Center for Human Genetics Tuebingen
Classification: Uncertain significance. Last evaluated: 2024-01-01. Review status: criteria provided, single submitter. Criteria: CeGaT Center For Human Genetics Tuebingen Variant Classification Criteria Version 2. Collection method: clinical testing. Allele origin: germline. Affected: yes. Observed: 1 variant allele.
Comment: NLRP6: PM2